The following is an entry in ClinVar:

NM_003482.4(KMT2D):c.3344T>C (p.Phe1115Ser)

Gene: KMT2D (lysine methyltransferase 2D; minus strand). Cytogenetic location: 12q13.12.
Variant type: single nucleotide variant.
Coding change: c.3344T>C on transcript NM_003482.4 (MANE Select); coding-DNA position 3344, T replaced by C.
Protein change: p.Phe1115Ser; replaces phenylalanine 1115 with serine.
Molecular consequence: missense variant.
Genome position (GRCh38, 1-based): chr12:49,050,244, A>G on the plus strand (T>C on the coding strand, the complement: KMT2D is on the minus strand). VCF-style: chr12-49050244-A-G. GRCh37 (hg19) VCF-style: chr12-49444027-A-G.
Other names: short protein forms F1115S.
Identifiers: ClinVar variation 2637350 (VCV002637350.2), dbSNP rs2120647727, ClinGen allele CA384657280.

ClinVar aggregate classification (germline): Uncertain significance. Review status: criteria provided, multiple submitters, no conflicts (2 of 4 stars). 2 submissions from 2 submitters: Uncertain significance (2). Last evaluated 2025-10-06.

Conditions:
Inborn genetic diseases. Identifiers: MedGen C0950123, MeSH D030342.
KMT2D-related disorder. Also called: KMT2D-Related Disorders.

Allele frequency attached by ClinVar (database versions not stated): gnomAD exomes below 0.00001.
gnomAD v4.1: 2 of 1,613,290 alleles (0.00012%); highest among the groups gnomAD compares: African/African-American, 0.0027%; no homozygotes.

Submissions (2):

Ambry Genetics
Classification: Uncertain significance for Inborn genetic diseases. Last evaluated: 2025-10-06. Review status: criteria provided, single submitter. Criteria: Ambry Variant Classification Scheme 2023. Collection method: clinical testing. Allele origin: germline.

PreventionGenetics, part of Exact Sciences
Classification: Uncertain significance for KMT2D-related condition. Last evaluated: 2022-10-13. Review status: criteria provided, single submitter. Criteria: ACMG Guidelines, 2015. Collection method: clinical testing. Allele origin: germline.
Comment: The KMT2D c.3344T>C variant is predicted to result in the amino acid substitution p.Phe1115Ser. To our knowledge, this variant has not been reported in the literature or in a large population database, indicating this variant is rare. At this time, the clinical significance of this variant is uncertain due to the absence of conclusive functional and genetic evidence.